The following is an entry in ClinVar:

ClinVar aggregate classification (germline): Uncertain significance (1 of 4 stars; one submission).

Conditions:
Hereditary cancer-predisposing syndrome. Also called: Neoplastic Syndromes, Hereditary; Tumor predisposition; Hereditary Cancer Syndrome; Hereditary neoplastic syndrome. Identifiers: Orphanet 140162, MedGen C0027672, MeSH D009386, MONDO:0015356.

Submission:

Ambry Genetics
Classification: Uncertain significance for Hereditary cancer-predisposing syndrome. Last evaluated: 2024-08-16. Review status: criteria provided, single submitter. Criteria: Ambry Variant Classification Scheme 2023. Collection method: clinical testing. Allele origin: germline.
Comment: The p.S1658R variant (also known as c.4974T>A), located in coding exon 15 of the APC gene, results from a T to A substitution at nucleotide position 4974. The serine at codon 1658 is replaced by arginine, an amino acid with dissimilar properties. This amino acid position is conserved. In addition, in silico predictors for this gene do not accurately predict pathogenicity. Based on the available evidence, the clinical significance of this variant remains unclear.

NM_000038.6(APC):c.4974T>A (p.Ser1658Arg)

Gene: APC (APC regulator of Wnt signaling pathway; plus strand). Cytogenetic location: 5q22.2.
Variant type: single nucleotide variant.
Coding change: c.4974T>A on transcript NM_000038.6 (MANE Select); coding-DNA position 4974, T replaced by A.
Protein change: p.Ser1658Arg; replaces serine 1658 with arginine.
Molecular consequence: missense variant. On other transcripts: non-coding transcript variant (2).
Genome position (GRCh38, 1-based): chr5:112,840,568, T>A. VCF-style: chr5-112840568-T-A. GRCh37 (hg19) VCF-style: chr5-112176265-T-A.
Other names: c.4974T>A, p.Ser1658Arg (NM_001127510.3, NM_001354895.2, NM_001407450.1); c.4920T>A, p.Ser1640Arg (NM_001127511.3); c.5028T>A, p.Ser1676Arg (NM_001354896.2, NM_001407447.1, NM_001407448.1 and 1 more transcripts); c.5004T>A, p.Ser1668Arg (NM_001354897.2); c.4899T>A, p.Ser1633Arg (NM_001354898.2); c.4890T>A, p.Ser1630Arg (NM_001354899.2); c.4851T>A, p.Ser1617Arg (NM_001354900.2); c.4797T>A, p.Ser1599Arg (NM_001354901.2, NM_001407453.1); and 11 more; short protein forms S1557R, S1567R, S1617R, S1651R, S1686R, S1274R, S1375R, S1532R.
Identifiers: ClinVar variation 3410234 (VCV003410234.1).